The following is an entry in ClinVar:

NM_001378120.1(MBD5):c.136T>C (p.Cys46Arg)

Gene: MBD5 (methyl-CpG binding domain protein 5; plus strand). Cytogenetic location: 2q23.1.
Variant type: single nucleotide variant.
Coding change: c.136T>C on transcript NM_001378120.1 (MANE Select); coding-DNA position 136, T replaced by C.
Protein change: p.Cys46Arg; replaces cysteine 46 with arginine.
Molecular consequence: missense variant.
Genome position (GRCh38, 1-based): chr2:148,462,604, T>C. VCF-style: chr2-148462604-T-C. GRCh37 (hg19) VCF-style: chr2-149220173-T-C.
Other names: c.136T>C, p.Cys46Arg (NM_018328.5); short protein forms C46R.
Identifiers: ClinVar variation 1341886 (VCV001341886.1), dbSNP rs139186486, ClinGen allele CA348716114.
Genomic context (GRCh38, chr2:148,462,604, plus strand): 5'-AAATTATTTCCTGATGTTTTTTTAAACTATTTTTACAGTCCCAGTGGGTCTTTGTTATCT[T>C]GCTTGGAGCAGGTTAAAACATACCTGCTTACTGATGGAACATGCAAGTGTGGCTTGGAAT-3'
Protein context (NP_001365049.1, residues 36-56): YVSPSGSLLS[Cys46Arg]LEQVKTYLLT

ClinVar aggregate classification (germline): Uncertain significance (1 of 4 stars; one submission).

Conditions:
Intellectual developmental disorder, autosomal dominant 1. Also called: Intellectual disability, autosomal dominant 1; MBD5 Haploinsufficiency. Identifiers: Orphanet 228402, MedGen C1969562, MONDO:0007974, OMIM 156200.

Submission:

New York Genome Center
Classification: Uncertain significance for Intellectual developmental disorder, autosomal dominant 1. Last evaluated: 2020-06-04. Review status: criteria provided, single submitter. Criteria: NYGC Assertion Criteria 2020. Collection method: clinical testing. Allele origin: inherited. Observed: 1 heterozygote. Study: CSER-NYCKidSeq.
Comment: The inherited p.Cys46Arg variant identified in the MBD5gene has not been reported in affected individuals in the literature to the best of our current knowledge. The variant is absent from the gnomAD (V3) database indicating it is an extremely rare allele in the general population. The p.Cys46Arg residue is not within a mapped domain of MBD5 (UniProtKB:Q9P267). The affected residue is relatively conserved. In silico tools provide conflicting interpretations about potential pathogenicity of this variant. Given the lack of compelling evidence for its pathogenicity, the inherited p.Cys46Arg variant identified in the MBD5 gene is reported as a Variant of Uncertain Significance.